The following is an entry in ClinVar:

ClinVar aggregate classification (germline): Conflicting classifications of pathogenicity. Review status: criteria provided, conflicting classifications (1 of 4 stars). 4 submissions from 4 submitters: Pathogenic (1); Likely pathogenic (1); Uncertain significance (1). 1 of the submissions does not count toward it. Last evaluated 2024-09-29.

Conditions:
Hypotrichosis 11 (HYPT11). Identifiers: Orphanet 55654, MedGen C3554409, MONDO:0014027, OMIM 615059.

Submissions (4):

Labcorp Genetics (formerly Invitae), Labcorp
Classification: Uncertain significance. Last evaluated: 2024-09-29. Review status: criteria provided, single submitter. Criteria: Invitae Variant Classification Sherloc (09022015). Collection method: clinical testing. Allele origin: germline.
Comment: This sequence change affects the initiator methionine of the SNRPE mRNA. The next in-frame methionine is located at codon 14. This variant is not present in population databases (gnomAD no frequency). Disruption of the initiator codon has been observed in individual(s) with hypotrichosis simplex (PMID: 23246290, 33792916). ClinVar contains an entry for this variant (Variation ID: 39505). In summary, the available evidence is currently insufficient to determine the role of this variant in disease. Therefore, it has been classified as a Variant of Uncertain Significance.

GeneDx
Classification: Pathogenic. Last evaluated: 2022-06-28. Review status: criteria provided, single submitter. Criteria: GeneDx Variant Classification Process June 2021. Collection method: clinical testing. Allele origin: germline. Affected: yes.
Comment: Not observed at significant frequency in large population cohorts (gnomAD); Initiation codon variant in a gene for which loss of function is not a known mechanism of disease; This variant is associated with the following publications: (PMID: 23246290, 33792916)

3billion
Classification: Likely pathogenic for Hypotrichosis 11. Review status: criteria provided, single submitter. Criteria: ACMG Guidelines, 2015. Collection method: clinical testing. Allele origin: unknown. Affected: yes. Observed: 1 heterozygote.
Comment: The variant is not observed in the gnomAD v2.1.1 dataset. Start-lost: reinitiation of translation may occur at a downstream alternate start codon but still result in a loss or disruption of normal protein function (PMID:. 23246290). The variant has been reported to co-segregate with the disease in at least 5 similarly affected relatives/individuals in the same family or similarly affected unrelated families (PMID: 23246290). The variant has been reported to be associated with SNRPE related disorder (ClinVar ID: VCV000039505 / PMID: 23246290). Therefore, this variant is classified as Likely pathogenic according to the recommendation of ACMG/AMP guideline.

OMIM
Classification: Pathogenic for HYPOTRICHOSIS 11. Last evaluated: 2013-01-10. Review status: no assertion criteria provided. Collection method: literature only. Allele origin: germline. Not counted in ClinVar's aggregate classification.

Literature cited by the submitters: PubMed 23246290 (cited by 3 submitters); PubMed 33792916 (cited by Labcorp Genetics (formerly Invitae), Labcorp and OMIM); PubMed 9621144 (cited by OMIM).

NM_003094.4(SNRPE):c.1A>G (p.Met1Val)

Genes: SNRPE (small nuclear ribonucleoprotein polypeptide E; plus strand), LOC112577531 (Sharpr-MPRA regulatory region 5904; plus strand). Cytogenetic location: 1q32.1.
Variant type: single nucleotide variant.
Coding change: c.1A>G on transcript NM_003094.4 (MANE Select); coding-DNA position 1, A replaced by G.
Protein change: p.Met1Val; changes the start codon (methionine 1).
Molecular consequence: missense variant, initiator codon variant. On other transcripts: 5 prime UTR variant (1), non-coding transcript variant (1).
Genome position (GRCh38, 1-based): chr1:203,861,660, A>G. VCF-style: chr1-203861660-A-G. GRCh37 (hg19) VCF-style: chr1-203830788-A-G.
Other names: 1A-G; c.-68A>G (NM_001304464.2); short protein forms M1V.
Identifiers: ClinVar variation 39505 (VCV000039505.7), dbSNP rs587776924, ClinGen allele CA130345.
Genomic context (GRCh38, chr1:203,861,660, plus strand): 5'-TTTATTCCGGAAGTTGCTCTCAGAGGCAGCGTGCGGGTGTGCTCTTTGTGAAATTCCACC[A>G]TGGCGTACCGTGGCCAGGGTCAGAAAGTGCAGAAGGTTATGGTGCAGCCCATCGTATCCT-3'
Protein context (NP_003085.1, residues 1-11): [Met1Val]AYRGQGQKVQ